The following is an entry in ClinVar:

NM_000748.3(CHRNB2):c.1295G>A (p.Arg432His)

Gene: CHRNB2 (cholinergic receptor nicotinic beta 2 subunit; plus strand). Cytogenetic location: 1q21.3.
Variant type: single nucleotide variant.
Coding change: c.1295G>A on transcript NM_000748.3 (MANE Select); coding-DNA position 1295, G replaced by A.
Protein change: p.Arg432His; replaces arginine 432 with histidine.
Molecular consequence: missense variant.
Genome position (GRCh38, 1-based): chr1:154,572,118, G>A. VCF-style: chr1-154572118-G-A. GRCh37 (hg19) VCF-style: chr1-154544594-G-A.
Other names: short protein forms R432H.
Identifiers: ClinVar variation 3670344 (VCV003670344.2).

ClinVar aggregate classification (germline): Uncertain significance (1 of 4 stars; one submission).

Conditions:
Familial sleep-related hypermotor epilepsy. Also called: Autosomal Dominant Sleep-Related Hypermotor (Hyperkinetic) Epilepsy. Identifiers: Orphanet 98784, MedGen C3696898, MONDO:0000030.

gnomAD v4.1: 3 of 1,537,498 alleles (0.0002%); highest among the groups gnomAD compares: Non-Finnish European, 0.00026%; no homozygotes.

Submission:

Labcorp Genetics (formerly Invitae), Labcorp
Classification: Uncertain significance. Last evaluated: 2025-01-06. Review status: criteria provided, single submitter. Criteria: Invitae Variant Classification Sherloc (09022015). Collection method: clinical testing. Allele origin: germline.
Comment: This sequence change replaces arginine, which is basic and polar, with histidine, which is basic and polar, at codon 432 of the CHRNB2 protein (p.Arg432His). This variant is not present in population databases (gnomAD no frequency). This variant has not been reported in the literature in individuals affected with CHRNB2-related conditions. Invitae Evidence Modeling of protein sequence and biophysical properties (such as structural, functional, and spatial information, amino acid conservation, physicochemical variation, residue mobility, and thermodynamic stability) indicates that this missense variant is not expected to disrupt CHRNB2 protein function with a negative predictive value of 80%. In summary, the available evidence is currently insufficient to determine the role of this variant in disease. Therefore, it has been classified as a Variant of Uncertain Significance.